The following is an entry in ClinVar:

NM_004281.4(BAG3):c.1244C>A (p.Ala415Asp)

Gene: BAG3 (BAG cochaperone 3; plus strand). Cytogenetic location: 10q26.11.
Variant type: single nucleotide variant.
Coding change: c.1244C>A on transcript NM_004281.4 (MANE Select); coding-DNA position 1244, C replaced by A.
Protein change: p.Ala415Asp; replaces alanine 415 with aspartic acid.
Molecular consequence: missense variant.
Genome position (GRCh38, 1-based): chr10:119,676,798, C>A. VCF-style: chr10-119676798-C-A. GRCh37 (hg19) VCF-style: chr10-121436310-C-A.
Other names: short protein forms A415D.
Identifiers: ClinVar variation 938005 (VCV000938005.10), dbSNP rs1847243574, ClinGen allele CA378296905.
Genomic context (GRCh38, chr10:119,676,798, plus strand): 5'-GGGCAGCCCCCAGCACTGCCCCTGCAGAAGCTACACCTCCAAAACCAGGAGAAGCCGAGG[C>A]TCCCCCAAAACATCCAGGAGTGCTGAAAGTGGAAGCCATCCTGGAGAAGGTACAGGGGCT-3'
Protein context (NP_004272.2, residues 405-425): ATPPKPGEAE[Ala415Asp]PPKHPGVLKV

ClinVar aggregate classification (germline): Uncertain significance. Review status: criteria provided, multiple submitters, no conflicts (2 of 4 stars). 2 submissions from 2 submitters: Uncertain significance (2). Last evaluated 2026-05-24.

Conditions:
Cardiovascular phenotype. Identifiers: MedGen CN230736.
Dilated cardiomyopathy 1HH (CMD1HH). Identifiers: Orphanet 154, MedGen C3151293, MONDO:0013479, OMIM 613881.
Myofibrillar myopathy 6. Identifiers: Orphanet 199340, MedGen C2751831, MONDO:0013061, OMIM 612954.

Submissions (2):

Ambry Genetics
Classification: Uncertain significance for Cardiovascular phenotype. Last evaluated: 2026-05-24. Review status: criteria provided, single submitter. Criteria: Ambry Variant Classification Scheme 2023. Collection method: clinical testing. Allele origin: germline.
Comment: The p.A415D variant (also known as c.1244C>A), located in coding exon 4 of the BAG3 gene, results from a C to A substitution at nucleotide position 1244. The alanine at codon 415 is replaced by aspartic acid, an amino acid with dissimilar properties. This amino acid position is conserved. In addition, this alteration is predicted to be tolerated by in silico analysis. Based on the available evidence, the clinical significance of this variant remains unclear.

Labcorp Genetics (formerly Invitae), Labcorp
Classification: Uncertain significance for Dilated cardiomyopathy 1HH; Myofibrillar myopathy 6. Last evaluated: 2023-11-15. Review status: criteria provided, single submitter. Criteria: Invitae Variant Classification Sherloc (09022015). Collection method: clinical testing. Allele origin: germline.
Comment: This sequence change replaces alanine, which is neutral and non-polar, with aspartic acid, which is acidic and polar, at codon 415 of the BAG3 protein (p.Ala415Asp). This variant is not present in population databases (gnomAD no frequency). This variant has not been reported in the literature in individuals affected with BAG3-related conditions. ClinVar contains an entry for this variant (Variation ID: 938005). Advanced modeling of protein sequence and biophysical properties (such as structural, functional, and spatial information, amino acid conservation, physicochemical variation, residue mobility, and thermodynamic stability) performed at Invitae indicates that this missense variant is not expected to disrupt BAG3 protein function with a negative predictive value of 80%. In summary, the available evidence is currently insufficient to determine the role of this variant in disease. Therefore, it has been classified as a Variant of Uncertain Significance.